The following is an entry in ClinVar:

ClinVar aggregate classification (germline): Benign. Review status: criteria provided, multiple submitters, no conflicts (2 of 4 stars). 2 submissions from 2 submitters: Benign (2). Last evaluated 2018-01-12.

Conditions:
Oculocutaneous albinism type 3 (OCA3). Also called: ALBINISM III; RUFOUS OCULOCUTANEOUS ALBINISM; XANTHISM; Albinism, oculocutaneous, type III; Rufous OCA; Rufous albinism. Identifiers: Orphanet 79433, MedGen C0342683, MONDO:0008747, OMIM 203290.

Allele frequency attached by ClinVar (database versions not stated): gnomAD exomes 0.00265; gnomAD 0.03876 and 0.04161; TOPMed 0.04226; 1000 Genomes Project 0.04952; 1000 Genomes Project 30x 0.05372.

Submissions (2):

Illumina Laboratory Services, Illumina
Classification: Benign for Oculocutaneous albinism type 3. Last evaluated: 2018-01-12. Review status: criteria provided, single submitter. Criteria: ICSL Variant Classification Criteria 13 December 2019. Collection method: clinical testing. Allele origin: germline.
Comment: This variant was observed in the ICSL laboratory as part of a predisposition screen in an ostensibly healthy population. It had not been previously curated by ICSL or reported in the Human Gene Mutation Database (HGMD: prior to June 1st, 2018), and was therefore a candidate for classification through an automated scoring system. Utilizing variant allele frequency, disease prevalence and penetrance estimates, and inheritance mode, an automated score was calculated to assess if this variant is too frequent to cause the disease. Based on the score and internal cut-off values, a variant classified as benign is not then subjected to further curation. The score for this variant resulted in a classification of benign for this disease.

Breakthrough Genomics
Classification: Benign. Review status: criteria provided, single submitter. Criteria: ACMG Guidelines, 2015. Collection method: not provided. Allele origin: germline. Inheritance: Autosomal recessive inheritance. Affected: yes.

NM_000550.3(TYRP1):c.-161G>T

Gene: TYRP1 (tyrosinase related protein 1; plus strand). Cytogenetic location: 9p23.
Variant type: single nucleotide variant.
Coding change: c.-161G>T on transcript NM_000550.3 (MANE Select); 161 bases upstream of the start codon, G replaced by T.
Molecular consequence: 5 prime UTR variant.
Genome position (GRCh38, 1-based): chr9:12,693,403, G>T. VCF-style: chr9-12693403-G-T. GRCh37 (hg19) VCF-style: chr9-12693403-G-T.
Identifiers: ClinVar variation 364845 (VCV000364845.6), dbSNP rs7867043, ClinGen allele CA10628981.
Genomic context (GRCh38, chr9:12,693,403, plus strand): 5'-CAGATTTGGGATTAATTATCAGGCAGCAATCCACATGCACTTAACAGTTCTGACGTGAGA[G>T]GACAAGAAACACAAGCAAATATAAAACATTCAATTCTAAGAGAAGTTCATCAGAGACATC-3'